The following is an entry in ClinVar:

NM_001271.4(CHD2):c.2577+19T>C

Gene: CHD2 (chromodomain helicase DNA binding protein 2; plus strand). Cytogenetic location: 15q26.1.
Variant type: single nucleotide variant.
Coding change: c.2577+19T>C on transcript NM_001271.4 (MANE Select); 19 bases into the intron after coding-DNA position 2577, T replaced by C.
Molecular consequence: intron variant.
Genome position (GRCh38, 1-based): chr15:92,974,969, T>C. VCF-style: chr15-92974969-T-C. GRCh37 (hg19) VCF-style: chr15-93518199-T-C.
Identifiers: ClinVar variation 384181 (VCV000384181.10), dbSNP rs193089255, ClinGen allele CA7748015.
Genomic context (GRCh38, chr15:92,974,969, plus strand): 5'-CGAAAACAGGCACTGGACCACTTCAATGCAGATGGGTCTGAGGTATACTATGCATGGCTT[T>C]GTTATTTGAGCAACTTGGGCTCTGCATCAAGGGGAAAGTCTCTCTCGCTTAATGTATTCT-3'

ClinVar aggregate classification (germline): Benign/Likely benign. Review status: criteria provided, multiple submitters, no conflicts (2 of 4 stars). 3 submissions from 3 submitters: Benign (1); Likely benign (2). Last evaluated 2026-01-13.

Conditions:
Developmental and epileptic encephalopathy 94 (DEE94). Also called: CHD2-Related Neurodevelopmental Disorders; Epileptic encephalopathy, childhood-onset. Identifiers: Orphanet 1942, Orphanet 2382, MedGen C3809278, MONDO:0014150, OMIM 615369.

Allele frequency attached by ClinVar (database versions not stated): gnomAD exomes 0.00004 and 0.00013; ExAC 0.00016; 1000 Genomes Project 30x 0.00031; 1000 Genomes Project 0.00040; ESP Exome Variant Server 0.00054; TOPMed 0.00058; gnomAD 0.00061 and 0.00068.
gnomAD v4.1: 151 of 1,607,486 alleles (0.0094%); highest among the groups gnomAD compares: African/African-American, 0.19%; no homozygotes.

Submissions (3):

Labcorp Genetics (formerly Invitae), Labcorp
Classification: Benign for Developmental and epileptic encephalopathy 94. Last evaluated: 2026-01-13. Review status: criteria provided, single submitter. Criteria: Invitae Variant Classification Sherloc (09022015). Collection method: clinical testing. Allele origin: germline.

Blueprint Genetics
Classification: Likely benign. Last evaluated: 2023-06-13. Review status: criteria provided, single submitter. Criteria: ACMG Guidelines, 2015. Collection method: clinical testing. Allele origin: germline.

GeneDx
Classification: Likely benign. Last evaluated: 2017-02-23. Review status: criteria provided, single submitter. Criteria: GeneDx Variant Classification (06012015). Collection method: clinical testing. Allele origin: germline. Affected: yes.
Comment: This variant is considered likely benign or benign based on one or more of the following criteria: it is a conservative change, it occurs at a poorly conserved position in the protein, it is predicted to be benign by multiple in silico algorithms, and/or has population frequency not consistent with disease.